The following is an entry in ClinVar:

NM_000465.4(BARD1):c.1396-11A>G

Gene: BARD1 (BRCA1 associated RING domain 1; minus strand). Cytogenetic location: 2q35.
Variant type: single nucleotide variant.
Coding change: c.1396-11A>G on transcript NM_000465.4 (MANE Select); 11 bases into the intron before coding-DNA position 1396, A replaced by G.
Molecular consequence: intron variant.
Genome position (GRCh38, 1-based): chr2:214,767,665, T>C on the plus strand (A>G on the coding strand, the complement: BARD1 is on the minus strand). VCF-style: chr2-214767665-T-C. GRCh37 (hg19) VCF-style: chr2-215632389-T-C.
Other names: c.1396-11A>G (NM_000465.2); c.159-15110A>G (NM_001282548.2); c.1339-11A>G (NM_001282543.2); c.216-15110A>G (NM_001282545.2); c.364+24632A>G (NM_001282549.2).
Identifiers: ClinVar variation 3611833 (VCV003611833.4).

ClinVar aggregate classification (germline): Conflicting classifications of pathogenicity. Review status: criteria provided, conflicting classifications (1 of 4 stars). 2 submissions from 2 submitters: Likely pathogenic (1); Uncertain significance (1). Last evaluated 2025-07-11.

Conditions:
Hereditary cancer-predisposing syndrome. Also called: Hereditary Cancer Syndrome; Neoplastic Syndromes, Hereditary; Tumor predisposition; Hereditary neoplastic syndrome. Identifiers: Orphanet 140162, MedGen C0027672, MeSH D009386, MONDO:0015356.
Familial cancer of breast. Also called: BREAST CANCER, FAMILIAL; hereditary breast carcinoma; Hereditary breast cancer. Identifiers: Orphanet 227535, MedGen C0346153, MONDO:0016419, OMIM 114480. Disease mechanism: loss of function.

Submissions (2):

Ambry Genetics
Classification: Likely pathogenic for Hereditary cancer-predisposing syndrome. Last evaluated: 2025-07-11. Review status: criteria provided, single submitter. Criteria: Ambry Variant Classification Scheme 2023. Collection method: clinical testing. Allele origin: germline.
Comment: The c.1396-11A>G intronic variant results from an A to G substitution 11 nucleotides upstream from coding exon 6 in the BARD1 gene. This nucleotide position is well conserved in available vertebrate species. In silico splice site analysis predicts that this alteration will weaken the native splice acceptor site and will result in the creation or strengthening of a novel splice acceptor site. RNA studies have demonstrated that this alteration results in abnormal splicing in the set of samples tested (Ambry internal data). Based on the majority of available evidence to date, this variant is likely to be pathogenic.

Labcorp Genetics (formerly Invitae), Labcorp
Classification: Uncertain significance for Familial cancer of breast. Last evaluated: 2024-06-02. Review status: criteria provided, single submitter. Criteria: Invitae Variant Classification Sherloc (09022015). Collection method: clinical testing. Allele origin: germline.
Comment: This sequence change falls in intron 5 of the BARD1 gene. It does not directly change the encoded amino acid sequence of the BARD1 protein. This variant is not present in population databases (gnomAD no frequency). This variant has not been reported in the literature in individuals affected with BARD1-related conditions. Algorithms developed to predict the effect of sequence changes on RNA splicing suggest that this variant may disrupt the consensus splice site. In summary, the available evidence is currently insufficient to determine the role of this variant in disease. Therefore, it has been classified as a Variant of Uncertain Significance.